The following is an entry in ClinVar:

ClinVar aggregate classification (germline): Uncertain significance (1 of 4 stars; one submission).

Allele frequency attached by ClinVar (database versions not stated): gnomAD exomes below 0.00001.
gnomAD v4.1: 2 of 1,614,074 alleles (0.00012%); highest among the groups gnomAD compares: Non-Finnish European, 0.000085%; no homozygotes.

Submission:

Labcorp Genetics (formerly Invitae), Labcorp
Classification: Uncertain significance. Last evaluated: 2023-08-17. Review status: criteria provided, single submitter. Criteria: Invitae Variant Classification Sherloc (09022015). Collection method: clinical testing. Allele origin: germline.
Comment: This variant has not been reported in the literature in individuals affected with PMPCB-related conditions. ClinVar contains an entry for this variant (Variation ID: 1939445). Advanced modeling of protein sequence and biophysical properties (such as structural, functional, and spatial information, amino acid conservation, physicochemical variation, residue mobility, and thermodynamic stability) performed at Invitae indicates that this missense variant is not expected to disrupt PMPCB protein function. In summary, the available evidence is currently insufficient to determine the role of this variant in disease. Therefore, it has been classified as a Variant of Uncertain Significance. This variant is not present in population databases (gnomAD no frequency). This sequence change replaces glutamic acid, which is acidic and polar, with aspartic acid, which is acidic and polar, at codon 394 of the PMPCB protein (p.Glu394Asp).

NM_004279.3(PMPCB):c.1182A>C (p.Glu394Asp)

Gene: PMPCB (peptidase, mitochondrial processing subunit beta; plus strand). Cytogenetic location: 7q22.1.
Variant type: single nucleotide variant.
Coding change: c.1182A>C on transcript NM_004279.3 (MANE Select); coding-DNA position 1182, A replaced by C.
Protein change: p.Glu394Asp; replaces glutamic acid 394 with aspartic acid.
Molecular consequence: missense variant.
Genome position (GRCh38, 1-based): chr7:103,311,670, A>C. VCF-style: chr7-103311670-A-C. GRCh37 (hg19) VCF-style: chr7-102952117-A-C.
Other names: short protein forms E394D.
Identifiers: ClinVar variation 1939445 (VCV001939445.5), dbSNP rs1817756764, ClinGen allele CA368737387.